The following is an entry in ClinVar:

NM_004369.4(COL6A3):c.8974T>A (p.Ser2992Thr)

Gene: COL6A3 (collagen type VI alpha 3 chain; minus strand). Cytogenetic location: 2q37.3.
Variant type: single nucleotide variant.
Coding change: c.8974T>A on transcript NM_004369.4 (MANE Select); coding-DNA position 8974, T replaced by A.
Protein change: p.Ser2992Thr; replaces serine 2992 with threonine.
Molecular consequence: missense variant.
Genome position (GRCh38, 1-based): chr2:237,334,881, A>T on the plus strand (T>A on the coding strand, the complement: COL6A3 is on the minus strand). VCF-style: chr2-237334881-A-T. GRCh37 (hg19) VCF-style: chr2-238243524-A-T.
Other names: c.7153T>A, p.Ser2385Thr (NM_057166.5); c.8356T>A, p.Ser2786Thr (NM_057167.4); short protein forms S2992T, S2786T, S2385T.
Identifiers: ClinVar variation 284144 (VCV000284144.7), dbSNP rs886042804, ClinGen allele CA10604703.

ClinVar aggregate classification (germline): Uncertain significance. Review status: criteria provided, multiple submitters, no conflicts (2 of 4 stars). 2 submissions from 2 submitters: Uncertain significance (2). Last evaluated 2024-03-07.

Conditions:
Bethlem myopathy 1A. Also called: Bethlem myopathy 1; MYOPATHY, BENIGN CONGENITAL, WITH CONTRACTURES; Bethlem Muscular Dystrophy. Identifiers: Orphanet 610, MedGen CN029274, MONDO:0024530, OMIM 158810.

Submissions (2):

Labcorp Genetics (formerly Invitae), Labcorp
Classification: Uncertain significance for Bethlem myopathy 1A. Last evaluated: 2024-03-07. Review status: criteria provided, single submitter. Criteria: Invitae Variant Classification Sherloc (09022015). Collection method: clinical testing. Allele origin: germline.
Comment: This sequence change replaces serine, which is neutral and polar, with threonine, which is neutral and polar, at codon 2992 of the COL6A3 protein (p.Ser2992Thr). This variant is not present in population databases (gnomAD no frequency). This variant has not been reported in the literature in individuals affected with COL6A3-related conditions. ClinVar contains an entry for this variant (Variation ID: 284144). Advanced modeling of protein sequence and biophysical properties (such as structural, functional, and spatial information, amino acid conservation, physicochemical variation, residue mobility, and thermodynamic stability) performed at Invitae indicates that this missense variant is not expected to disrupt COL6A3 protein function with a negative predictive value of 95%. In summary, the available evidence is currently insufficient to determine the role of this variant in disease. Therefore, it has been classified as a Variant of Uncertain Significance.

Eurofins Ntd Llc (ga)
Classification: Uncertain significance. Last evaluated: 2015-11-10. Review status: criteria provided, single submitter. Criteria: EGL Classification Definitions 2015. Collection method: clinical testing. Allele origin: germline. Observed: 1 variant allele, 1 heterozygote.